The following is an entry in ClinVar:

NM_004006.3(DMD):c.5586+4T>C

Gene: DMD (dystrophin; minus strand). Cytogenetic location: Xp21.1.
Variant type: single nucleotide variant.
Coding change: c.5586+4T>C on transcript NM_004006.3 (MANE Select); 4 bases into the intron after coding-DNA position 5586, T replaced by C.
Molecular consequence: intron variant.
Genome position (GRCh38, 1-based): chrX:32,345,939, A>G on the plus strand (T>C on the coding strand, the complement: DMD is on the minus strand). VCF-style: chrX-32345939-A-G. GRCh37 (hg19) VCF-style: chrX-32364056-A-G.
Other names: c.5562+4T>C (NM_000109.4); c.1563+4T>C (NM_004011.4); c.1554+4T>C (NM_004012.4); c.5574+4T>C (NM_004009.3); c.5217+4T>C (NM_004010.3).
Identifiers: ClinVar variation 5035386 (VCV005035386.1).
Genomic context (GRCh38, chrX:32,345,939, plus strand): 5'-TATTTTACCCTATATATTAAAAAAAAACCACAGGCAAGGTATATTATAATTTTAGCTCTA[A>G]TACCTTGAGAGCATTATGTTTTGTCTGTAACAGCTGCTGTTTTATCTTTATTTCCTCTCG-3'

ClinVar aggregate classification (germline): Uncertain significance (1 of 4 stars; one submission).

Conditions:
Cardiovascular phenotype. Identifiers: MedGen CN230736.

gnomAD v4.1: 1 of 1,208,418 alleles (0.000083%); highest among the groups gnomAD compares: Non-Finnish European, 0.00011%; no homozygotes.

Submission:

Ambry Genetics
Classification: Uncertain significance for Cardiovascular phenotype. Last evaluated: 2026-07-13. Review status: criteria provided, single submitter. Criteria: Ambry Variant Classification Scheme 2023. Collection method: clinical testing. Allele origin: germline.
Comment: The c.5586+4T>C intronic variant results from a T to C substitution 4 nucleotides after coding exon 39 in the DMD gene. This nucleotide position is well conserved in available vertebrate species. In silico splice site analysis predicts that this alteration will not have any significant effect on splicing. Based on the available evidence, the clinical significance of this variant remains unclear.